The following is an entry in ClinVar:

ClinVar aggregate classification (germline): Uncertain significance. Review status: criteria provided, multiple submitters, no conflicts (2 of 4 stars). 3 submissions from 3 submitters: Uncertain significance (3). Last evaluated 2023-09-20.

Conditions:
Inborn genetic diseases. Identifiers: MedGen C0950123, MeSH D030342.
Focal segmental glomerulosclerosis 6 (FSGS6). Identifiers: Orphanet 656, MedGen C3279905, MONDO:0013589, OMIM 614131.

Allele frequency attached by ClinVar (database versions not stated): gnomAD 0.00001; gnomAD exomes 0.00004; TOPMed 0.00004; ExAC 0.00005.
gnomAD v4.1: 53 of 1,614,010 alleles (0.0033%); highest among the groups gnomAD compares: South Asian, 0.0066%; no homozygotes.

Submissions (3):

Ambry Genetics
Classification: Uncertain significance for Inborn genetic diseases. Last evaluated: 2023-09-20. Review status: criteria provided, single submitter. Criteria: Ambry Variant Classification Scheme 2023. Collection method: clinical testing. Allele origin: germline.

Fulgent Genetics
Classification: Uncertain significance for Focal segmental glomerulosclerosis 6. Last evaluated: 2021-11-10. Review status: criteria provided, single submitter. Criteria: ACMG Guidelines, 2015. Collection method: clinical testing. Allele origin: unknown.

Labcorp Genetics (formerly Invitae), Labcorp
Classification: Uncertain significance. Last evaluated: 2021-09-24. Review status: criteria provided, single submitter. Criteria: Invitae Variant Classification Sherloc (09022015). Collection method: clinical testing. Allele origin: germline.
Comment: This variant is present in population databases (rs766788690, ExAC 0.03%). This sequence change replaces threonine with methionine at codon 273 of the MYO1E protein (p.Thr273Met). The threonine residue is moderately conserved and there is a moderate physicochemical difference between threonine and methionine. In summary, the available evidence is currently insufficient to determine the role of this variant in disease. Therefore, it has been classified as a Variant of Uncertain Significance. Algorithms developed to predict the effect of missense changes on protein structure and function output the following: SIFT: "Tolerated"; PolyPhen-2: "Possibly Damaging"; Align-GVGD: "Class C0". The methionine amino acid residue is found in multiple mammalian species, which suggests that this missense change does not adversely affect protein function. This variant has not been reported in the literature in individuals affected with MYO1E-related conditions.

NM_004998.4(MYO1E):c.818C>T (p.Thr273Met)

Gene: MYO1E (myosin IE; minus strand). Cytogenetic location: 15q22.2.
Variant type: single nucleotide variant.
Coding change: c.818C>T on transcript NM_004998.4 (MANE Select); coding-DNA position 818, C replaced by T.
Protein change: p.Thr273Met; replaces threonine 273 with methionine.
Molecular consequence: missense variant.
Genome position (GRCh38, 1-based): chr15:59,223,151, G>A on the plus strand (C>T on the coding strand, the complement: MYO1E is on the minus strand). VCF-style: chr15-59223151-G-A. GRCh37 (hg19) VCF-style: chr15-59515350-G-A.
Other names: c.818C>T (NM_004998.2); short protein forms T273M.
Identifiers: ClinVar variation 1443163 (VCV001443163.8), dbSNP rs766788690, ClinGen allele CA7590187.